The following is an entry in ClinVar:

ClinVar aggregate classification (germline): Uncertain significance (1 of 4 stars; one submission).

Conditions:
Progressive microcephaly-seizures-cortical blindness-developmental delay syndrome. Also called: Seizures, cortical blindness, and microcephaly syndrome. Identifiers: Orphanet 477814, MedGen C5567650, MONDO:0014714, OMIM 616632.
Autosomal dominant nonsyndromic hearing loss 1. Also called: DEAFNESS, AUTOSOMAL DOMINANT 1, WITH OR WITHOUT THROMBOCYTOPENIA; KONIGSMARK SYNDROME. Identifiers: Orphanet 90635, MedGen C1852282, MONDO:0007424, OMIM 124900.

gnomAD v4.1: 1 of 1,613,908 alleles (0.000062%); highest among the groups gnomAD compares: Non-Finnish European, 0.000085%; no homozygotes.

Submission:

Labcorp Genetics (formerly Invitae), Labcorp
Classification: Uncertain significance for Progressive microcephaly-seizures-cortical blindness-developmental delay syndrome; Autosomal dominant nonsyndromic hearing loss 1. Last evaluated: 2024-11-05. Review status: criteria provided, single submitter. Criteria: Invitae Variant Classification Sherloc (09022015). Collection method: clinical testing. Allele origin: germline.
Comment: This sequence change replaces phenylalanine, which is neutral and non-polar, with isoleucine, which is neutral and non-polar, at codon 330 of the DIAPH1 protein (p.Phe330Ile). This variant is not present in population databases (gnomAD no frequency). This variant has not been reported in the literature in individuals affected with DIAPH1-related conditions. ClinVar contains an entry for this variant (Variation ID: 1508217). Experimental studies and prediction algorithms are not available or were not evaluated, and the functional significance of this variant is currently unknown. In summary, the available evidence is currently insufficient to determine the role of this variant in disease. Therefore, it has been classified as a Variant of Uncertain Significance.

NM_005219.5(DIAPH1):c.988T>A (p.Phe330Ile)

Gene: DIAPH1 (diaphanous related formin 1; minus strand). Cytogenetic location: 5q31.3.
Variant type: single nucleotide variant.
Coding change: c.988T>A on transcript NM_005219.5 (MANE Select); coding-DNA position 988, T replaced by A.
Protein change: p.Phe330Ile; replaces phenylalanine 330 with isoleucine.
Molecular consequence: missense variant.
Genome position (GRCh38, 1-based): chr5:141,578,571, A>T on the plus strand (T>A on the coding strand, the complement: DIAPH1 is on the minus strand). VCF-style: chr5-141578571-A-T. GRCh37 (hg19) VCF-style: chr5-140958138-A-T.
Other names: c.961T>A, p.Phe321Ile (NM_001079812.3); c.988T>A, p.Phe330Ile (NM_001314007.2); short protein forms F330I, F321I.
Identifiers: ClinVar variation 1508217 (VCV001508217.8), dbSNP rs2154596449, ClinGen allele CA361532541.